The following is an entry in ClinVar:

ClinVar aggregate classification (germline): Uncertain significance (1 of 4 stars; one submission).

Submission:

Labcorp Genetics (formerly Invitae), Labcorp
Classification: Uncertain significance. Last evaluated: 2022-05-10. Review status: criteria provided, single submitter. Criteria: Invitae Variant Classification Sherloc (09022015). Collection method: clinical testing. Allele origin: germline.
Comment: This variant is not present in population databases (gnomAD no frequency). This sequence change replaces alanine, which is neutral and non-polar, with threonine, which is neutral and polar, at codon 6 of the AP3B2 protein (p.Ala6Thr). This variant has not been reported in the literature in individuals affected with AP3B2-related conditions. In summary, the available evidence is currently insufficient to determine the role of this variant in disease. Therefore, it has been classified as a Variant of Uncertain Significance. Algorithms developed to predict the effect of missense changes on protein structure and function (SIFT, PolyPhen-2, Align-GVGD) all suggest that this variant is likely to be tolerated.

NM_001278512.2(AP3B2):c.16G>A (p.Ala6Thr)

Gene: AP3B2 (adaptor related protein complex 3 subunit beta 2; minus strand). Cytogenetic location: 15q25.2.
Variant type: single nucleotide variant.
Coding change: c.16G>A on transcript NM_001278512.2 (MANE Select); coding-DNA position 16, G replaced by A.
Protein change: p.Ala6Thr; replaces alanine 6 with threonine.
Molecular consequence: missense variant.
Genome position (GRCh38, 1-based): chr15:82,709,691, C>T on the plus strand (G>A on the coding strand, the complement: AP3B2 is on the minus strand). VCF-style: chr15-82709691-C-T. GRCh37 (hg19) VCF-style: chr15-83378443-C-T.
Other names: c.16G>A, p.Ala6Thr (NM_001278511.2, NM_001348440.2, NM_004644.5); short protein forms A6T.
Identifiers: ClinVar variation 1992841 (VCV001992841.4), dbSNP rs2548730026, ClinGen allele CA393307903.
Genomic context (GRCh38, chr15:82,709,691, plus strand): 5'-GGTCGTGGCCGTACTCGGGCTCCCCGGGGCCAGCGGAGCCGCCCTTGTCTTCGCTGTAGG[C>T]GGGGGCGGCCGACATGGGGCGGCCAGGGAGACTTCGCCGAGGAGGAGGTTGCGGGGCCGG-3'
Protein context (NP_001265441.1, residues 1-16): MSAAP[Ala6Thr]YSEDKGGSAG